The following is an entry in ClinVar:

ClinVar aggregate classification (germline): Uncertain significance (1 of 4 stars; one submission).

Submission:

Ambry Genetics
Classification: Uncertain significance. Last evaluated: 2021-01-08. Review status: criteria provided, single submitter. Criteria: Ambry Variant Classification Scheme 2023. Collection method: clinical testing. Allele origin: germline.
Comment: The c.2242_2244delCTG variant (also known as p.L748del) is located in coding exon 22 of the KIF1B gene. This variant results from an in-frame CTG deletion at nucleotide positions 2242 to 2244. This results in the in-frame deletion of a leucine at codon 748. This amino acid position is highly conserved in available vertebrate species. In addition, this alteration is predicted to be deleterious by in silico analysis (Choi Y et al. PLoS ONE. 2012; 7(10):e46688). Since supporting evidence is limited at this time, the clinical significance of this alteration remains unclear.

NM_001365951.3(KIF1B):c.2377CTG[1] (p.Leu794del)

Gene: KIF1B (kinesin family member 1B; plus strand). Cytogenetic location: 1p36.22.
Variant type: Microsatellite.
Coding change: c.2377CTG[1] on transcript NM_001365951.3 (MANE Select); one copy of the 3-base unit CTG starting at c.2377; the reference has two copies in a row; one copy, 3 bases deleted.
Protein change: p.Leu794del; deletes leucine 794.
Molecular consequence: inframe deletion.
Genome position (GRCh38, 1-based): chr1:10,323,905-10,323,907, CTG deleted; deleting any 3 consecutive bases within chr1:10,323,902-10,323,907 gives the same sequence; the position shown is the placement nearest the transcript's 3' end. VCF-style (leftmost placement, unchanged base first): chr1-10323901-TCTG-T. GRCh37 (hg19) VCF-style: chr1-10383959-TCTG-T.
Other names: c.2377CTG[1], p.Leu794del (NM_001365952.1); c.2239CTG[1], p.Leu748del (NM_015074.3); c.2242_2244delCTG (NM_015074.3); short protein forms L748del, L794del.
Identifiers: ClinVar variation 1788290 (VCV001788290.2), dbSNP rs2521622128, ClinGen allele CA2580611397.